The following is an entry in ClinVar:

NM_015909.4(NBAS):c.2892G>A (p.Gly964=)

Gene: NBAS (NBAS subunit of NRZ tethering complex; minus strand). Cytogenetic location: 2p24.3.
Variant type: single nucleotide variant.
Coding change: c.2892G>A on transcript NM_015909.4 (MANE Select); coding-DNA position 2892, G replaced by A.
Protein change: p.Gly964=; no amino-acid change (glycine 964 retained).
Molecular consequence: synonymous variant. On other transcripts: non-coding transcript variant (1).
Genome position (GRCh38, 1-based): chr2:15,415,591, C>T on the plus strand (G>A on the coding strand, the complement: NBAS is on the minus strand). VCF-style: chr2-15415591-C-T. GRCh37 (hg19) VCF-style: chr2-15555715-C-T.
Identifiers: ClinVar variation 3029591 (VCV003029591.2), dbSNP rs2529001186, ClinGen allele CA424869448.

ClinVar aggregate classification (germline): Likely benign (0 of 4 stars; one submission).

Conditions:
NBAS-related disorder. Also called: NBAS-related condition.

Submission:

PreventionGenetics, part of Exact Sciences
Classification: Likely benign for NBAS-related condition. Last evaluated: 2022-02-24. Review status: no assertion criteria provided. Collection method: clinical testing. Allele origin: germline.
Comment: This variant is classified as likely benign based on ACMG/AMP sequence variant interpretation guidelines (Richards et al. 2015 PMID: 25741868, with internal and published modifications).